The following is an entry in ClinVar:

ClinVar aggregate classification (germline): Benign/Likely benign. Review status: criteria provided, multiple submitters, no conflicts (2 of 4 stars). 4 submissions from 4 submitters: Benign (2); Likely benign (2). Last evaluated 2026-04-20.

Allele frequency attached by ClinVar (database versions not stated): gnomAD exomes 0.00011 and 0.00035; gnomAD 0.00014 and 0.00015; ESP Exome Variant Server 0.00015; TOPMed 0.00019; 1000 Genomes Project 30x 0.00031; ExAC 0.00037; 1000 Genomes Project 0.00040.
gnomAD v4.1: 189 of 1,614,208 alleles (0.012%); highest among the groups gnomAD compares: Admixed American, 0.14%; 1 homozygote.

Submissions (4):

Women's Health and Genetics/Laboratory Corporation of America, LabCorp
Classification: Likely benign. Last evaluated: 2026-04-20. Review status: criteria provided, single submitter. Criteria: LabCorp Variant Classification Summary - May 2015. Collection method: clinical testing. Allele origin: germline.
Comment: Variant summary: HECW2 c.1217C>T (p.Thr406Ile) results in a non-conservative amino acid change in the encoded protein sequence. Algorithms developed to predict the effect of missense changes on protein structure and function are either unavailable or do not agree on the potential impact of this missense change. The variant allele was found at a frequency of 0.00035 in 251466 control chromosomes, predominantly at a frequency of 0.0015 within the Latino subpopulation in the gnomAD database. The observed variant frequency within Latino control individuals in the gnomAD database exceeds the estimated maximal expected allele frequency for disease-causing variants in HECW2. To our knowledge, no occurrence of c.1217C>T in individuals affected with HECW2-related conditions and no experimental evidence demonstrating its impact on protein function have been reported. ClinVar contains an entry for this variant (Variation ID: 743562). Based on the evidence outlined above, the variant was classified as likely benign.

Blueprint Genetics
Classification: Likely benign. Last evaluated: 2024-06-14. Review status: criteria provided, single submitter. Criteria: ACMG Guidelines, 2015. Collection method: clinical testing. Allele origin: germline.

Labcorp Genetics (formerly Invitae), Labcorp
Classification: Benign. Last evaluated: 2018-11-14. Review status: criteria provided, single submitter. Criteria: Invitae Variant Classification Sherloc (09022015). Collection method: clinical testing. Allele origin: germline.

Breakthrough Genomics
Classification: Benign. Review status: criteria provided, single submitter. Criteria: ACMG Guidelines, 2015. Collection method: not provided. Allele origin: germline. Inheritance: Autosomal dominant inheritance. Affected: yes.

NM_001348768.2(HECW2):c.1217C>T (p.Thr406Ile)

Gene: HECW2 (HECT, C2 and WW domain containing E3 ubiquitin protein ligase 2; minus strand). Cytogenetic location: 2q32.3.
Variant type: single nucleotide variant.
Coding change: c.1217C>T on transcript NM_001348768.2 (MANE Select); coding-DNA position 1217, C replaced by T.
Protein change: p.Thr406Ile; replaces threonine 406 with isoleucine.
Molecular consequence: missense variant.
Genome position (GRCh38, 1-based): chr2:196,319,673, G>A on the plus strand (C>T on the coding strand, the complement: HECW2 is on the minus strand). VCF-style: chr2-196319673-G-A. GRCh37 (hg19) VCF-style: chr2-197184397-G-A.
Other names: c.149C>T, p.Thr50Ile (NM_001304840.3); c.1217C>T, p.Thr406Ile (NM_020760.4); short protein forms T50I, T406I.
Identifiers: ClinVar variation 743562 (VCV000743562.6), dbSNP rs146190713, ClinGen allele CA2038365.